The following is an entry in ClinVar:

ClinVar aggregate classification (germline): Uncertain significance (1 of 4 stars; one submission).

Submission:

CeGaT Center for Human Genetics Tuebingen
Classification: Uncertain significance. Last evaluated: 2026-07-01. Review status: criteria provided, single submitter. Criteria: CeGaT Center For Human Genetics Tuebingen Variant Classification Criteria Version 2. Collection method: clinical testing. Allele origin: germline. Affected: yes. Observed: 1 variant allele.
Comment: CTCF: PM2, BP4

NM_006565.4(CTCF):c.143G>T (p.Gly48Val)

Gene: CTCF (CCCTC-binding factor; plus strand). Cytogenetic location: 16q22.1.
Variant type: single nucleotide variant.
Coding change: c.143G>T on transcript NM_006565.4 (MANE Select); coding-DNA position 143, G replaced by T.
Protein change: p.Gly48Val; replaces glycine 48 with valine.
Molecular consequence: missense variant. On other transcripts: intron variant (1).
Genome position (GRCh38, 1-based): chr16:67,610,975, G>T. VCF-style: chr16-67610975-G-T. GRCh37 (hg19) VCF-style: chr16-67644878-G-T.
Other names: c.143G>T, p.Gly48Val (NM_001363916.2, NM_001438968.1, NM_001438969.1); c.-32-5770G>T (NM_001191022.2); short protein forms G48V.
Identifiers: ClinVar variation 4875400 (VCV004875400.2).